The following is an entry in ClinVar:

NM_001197104.2(KMT2A):c.4369A>G (p.Lys1457Glu)

Gene: KMT2A (lysine methyltransferase 2A; plus strand). Cytogenetic location: 11q23.3.
Variant type: single nucleotide variant.
Coding change: c.4369A>G on transcript NM_001197104.2 (MANE Select); coding-DNA position 4369, A replaced by G.
Protein change: p.Lys1457Glu; replaces lysine 1457 with glutamic acid.
Molecular consequence: missense variant.
Genome position (GRCh38, 1-based): chr11:118,488,650, A>G. VCF-style: chr11-118488650-A-G. GRCh37 (hg19) VCF-style: chr11-118359365-A-G.
Other names: c.4369A>G, p.Lys1457Glu (NM_005933.4); short protein forms K1457E.
Identifiers: ClinVar variation 1119345 (VCV001119345.26), dbSNP rs201765973, ClinGen allele CA6303864.

ClinVar aggregate classification (germline): Conflicting classifications of pathogenicity. Review status: criteria provided, conflicting classifications (1 of 4 stars). 5 submissions from 5 submitters: Uncertain significance (1); Benign (1); Likely benign (3). Last evaluated 2026-02-01.

Allele frequency attached by ClinVar (database versions not stated): gnomAD exomes 0.00015 and 0.00033; ExAC 0.00017; TOPMed 0.00017; gnomAD 0.00019 and 0.00021; ESP Exome Variant Server 0.00038.
gnomAD v4.1: 501 of 1,613,918 alleles (0.031%); highest among the groups gnomAD compares: Non-Finnish European, 0.041%; no homozygotes.

Submissions (5):

Labcorp Genetics (formerly Invitae), Labcorp
Classification: Likely benign. Last evaluated: 2026-02-01. Review status: criteria provided, single submitter. Criteria: Invitae Variant Classification Sherloc (09022015). Collection method: clinical testing. Allele origin: germline.

Women's Health and Genetics/Laboratory Corporation of America, LabCorp
Classification: Uncertain significance. Last evaluated: 2025-09-04. Review status: criteria provided, single submitter. Criteria: LabCorp Variant Classification Summary - May 2015. Collection method: clinical testing. Allele origin: germline.
Comment: Variant summary: KMT2A c.4369A>G (p.Lys1457Glu) results in a conservative amino acid change in the encoded protein sequence. Algorithms developed to predict the effect of missense changes on protein structure and function are either unavailable or do not agree on the potential impact of this missense change. The variant allele was found at a frequency of 0.00015 in 251340 control chromosomes, predominantly at a frequency of 0.00033 within the Non-Finnish European subpopulation in the gnomAD database. This frequency is not significantly higher than estimated for disease-causing variants in KMT2A, allowing no conclusion about variant significance. To our knowledge, no occurrence of c.4369A>G in individuals affected with KMT2A-related conditions and no experimental evidence demonstrating its impact on protein function have been reported. ClinVar contains an entry for this variant (Variation ID: 1119345). Based on the evidence outlined above, the variant was classified as uncertain significance.

CeGaT Center for Human Genetics Tuebingen
Classification: Likely benign. Last evaluated: 2024-11-01. Review status: criteria provided, single submitter. Criteria: CeGaT Center For Human Genetics Tuebingen Variant Classification Criteria Version 2. Collection method: clinical testing. Allele origin: germline. Affected: yes. Observed: 1 variant allele.
Comment: KMT2A: BS2

Blueprint Genetics
Classification: Likely benign. Last evaluated: 2024-06-13. Review status: criteria provided, single submitter. Criteria: ACMG Guidelines, 2015. Collection method: clinical testing. Allele origin: germline.

GeneDx
Classification: Benign. Last evaluated: 2019-04-18. Review status: criteria provided, single submitter. Criteria: GeneDx Variant Classification Process June 2021. Collection method: clinical testing. Allele origin: germline. Affected: yes.